The following is an entry in ClinVar:

ClinVar aggregate classification (germline): Uncertain significance (1 of 4 stars; one submission).

Submission:

Labcorp Genetics (formerly Invitae), Labcorp
Classification: Uncertain significance. Last evaluated: 2021-08-28. Review status: criteria provided, single submitter. Criteria: Invitae Variant Classification Sherloc (09022015). Collection method: clinical testing. Allele origin: germline.
Comment: In summary, the available evidence is currently insufficient to determine the role of this variant in disease. Therefore, it has been classified as a Variant of Uncertain Significance. Algorithms developed to predict the effect of missense changes on protein structure and function are either unavailable or do not agree on the potential impact of this missense change (SIFT: "Deleterious"; PolyPhen-2: "Probably Damaging"; Align-GVGD: "Class C0"). This variant has not been reported in the literature in individuals affected with GNPTG-related conditions. This variant is not present in population databases (ExAC no frequency). This sequence change replaces glycine with glutamic acid at codon 300 of the GNPTG protein (p.Gly300Glu). The glycine residue is moderately conserved and there is a moderate physicochemical difference between glycine and glutamic acid.

NM_032520.5(GNPTG):c.899G>A (p.Gly300Glu)

Gene: GNPTG (N-acetylglucosamine-1-phosphate transferase subunit gamma; plus strand). Cytogenetic location: 16p13.3.
Variant type: single nucleotide variant.
Coding change: c.899G>A on transcript NM_032520.5 (MANE Select); coding-DNA position 899, G replaced by A.
Protein change: p.Gly300Glu; replaces glycine 300 with glutamic acid.
Molecular consequence: missense variant.
Genome position (GRCh38, 1-based): chr16:1,363,072, G>A. VCF-style: chr16-1363072-G-A. GRCh37 (hg19) VCF-style: chr16-1413073-G-A.
Other names: short protein forms G300E.
Identifiers: ClinVar variation 1378159 (VCV001378159.6), dbSNP rs2141866899, ClinGen allele CA394188988.